The following is an entry in ClinVar:

NM_005655.4(KLF10):c.686A>T (p.Tyr229Phe)

Gene: KLF10 (KLF transcription factor 10; minus strand). Cytogenetic location: 8q22.3.
Variant type: single nucleotide variant.
Coding change: c.686A>T on transcript NM_005655.4 (MANE Select); coding-DNA position 686, A replaced by T.
Protein change: p.Tyr229Phe; replaces tyrosine 229 with phenylalanine.
Molecular consequence: missense variant.
Genome position (GRCh38, 1-based): chr8:102,651,646, T>A on the plus strand (A>T on the coding strand, the complement: KLF10 is on the minus strand). VCF-style: chr8-102651646-T-A. GRCh37 (hg19) VCF-style: chr8-103663874-T-A.
Other names: c.653A>T, p.Tyr218Phe (NM_001032282.4); short protein forms Y218F, Y229F.
Identifiers: ClinVar variation 2893479 (VCV002893479.3), dbSNP rs970105413, ClinGen allele CA182541093.

ClinVar aggregate classification (germline): Uncertain significance (1 of 4 stars; one submission).

Allele frequency attached by ClinVar (database versions not stated): TOPMed 0.00003.

Submission:

Labcorp Genetics (formerly Invitae), Labcorp
Classification: Uncertain significance. Last evaluated: 2023-10-10. Review status: criteria provided, single submitter. Criteria: Invitae Variant Classification Sherloc (09022015). Collection method: clinical testing. Allele origin: germline.
Comment: This sequence change replaces tyrosine, which is neutral and polar, with phenylalanine, which is neutral and non-polar, at codon 229 of the KLF10 protein (p.Tyr229Phe). This variant is not present in population databases (gnomAD no frequency). This variant has not been reported in the literature in individuals affected with KLF10-related conditions. An algorithm developed to predict the effect of missense changes on protein structure and function (PolyPhen-2) suggests that this variant is likely to be tolerated. In summary, the available evidence is currently insufficient to determine the role of this variant in disease. Therefore, it has been classified as a Variant of Uncertain Significance.